The following is an entry in ClinVar:

NC_000023.11:g.50101083A>G

Gene: CLCN5 (Cl-/H+ antiporter 5; plus strand). Cytogenetic location: Xp11.22.
Variant type: single nucleotide variant.
Genome position: GRCh38 VCF-style: chrX-50101083-A-G. GRCh37 (hg19) VCF-style: chrX-49865740-A-G.
Identifiers: ClinVar variation 4526593 (VCV004526593.1).

ClinVar aggregate classification (germline): Uncertain significance (0 of 4 stars; one submission).

Conditions:
Dent disease type 1 (DENT1). Also called: NEPHROLITHIASIS 2; NEPHROLITHIASIS, HYPERCALCIURIC, X-LINKED. Identifiers: Orphanet 1652, Orphanet 93622, MedGen C1848336, MONDO:0010225, OMIM 300009.

Submission:

Department of Pediatric Nephrology, Hospital Bendana
Classification: Uncertain significance for Dent disease type 1. Last evaluated: 2025-02-04. Review status: no assertion criteria provided. Collection method: provider interpretation. Allele origin: germline. Inheritance: X-linked inheritance. Affected: yes. Observed: 1 hemizygote.
Comment: No previous reports identified. Given the 3′ UTR location and absence of functional data, it is classified as a VUS leaning toward likely pathogenic.